The following is an entry in ClinVar:

NM_001191061.2(SLC25A22):c.365C>T (p.Thr122Met)

Gene: SLC25A22 (solute carrier family 25 member 22; minus strand). Cytogenetic location: 11p15.5.
Variant type: single nucleotide variant.
Coding change: c.365C>T on transcript NM_001191061.2 (MANE Select); coding-DNA position 365, C replaced by T.
Protein change: p.Thr122Met; replaces threonine 122 with methionine.
Molecular consequence: missense variant.
Genome position (GRCh38, 1-based): chr11:792,917, G>A on the plus strand (C>T on the coding strand, the complement: SLC25A22 is on the minus strand). VCF-style: chr11-792917-G-A. GRCh37 (hg19) VCF-style: chr11-792917-G-A.
Other names: c.365C>T (NM_024698.5); c.365C>T, p.Thr122Met (NM_001191060.2, NM_024698.6); short protein forms T122M.
Identifiers: ClinVar variation 1448420 (VCV001448420.8), dbSNP rs778373047, ClinGen allele CA5789231.

ClinVar aggregate classification (germline): Uncertain significance. Review status: criteria provided, multiple submitters, no conflicts (2 of 4 stars). 3 submissions from 3 submitters: Uncertain significance (3). Last evaluated 2024-11-18.

Conditions:
Developmental and epileptic encephalopathy. Identifiers: MedGen C5779964, MONDO:0100620.
Developmental and epileptic encephalopathy, 3 (DEE3). Also called: Epileptic encephalopathy, early infantile, 3. Identifiers: MedGen C5574665, MONDO:0012245, OMIM 609304.
Inborn genetic diseases. Identifiers: MedGen C0950123, MeSH D030342.

Allele frequency attached by ClinVar (database versions not stated): ExAC 0.00001; gnomAD exomes 0.00001.
gnomAD v4.1: 9 of 1,613,056 alleles (0.00056%); highest among the groups gnomAD compares: Non-Finnish European, 0.00076%; no homozygotes.

Submissions (3):

Revvity Omics, Revvity
Classification: Uncertain significance for Developmental and epileptic encephalopathy, 3. Last evaluated: 2024-11-18. Review status: criteria provided, single submitter. Criteria: ACMG Guidelines, 2015. Collection method: clinical testing. Allele origin: germline.

Ambry Genetics
Classification: Uncertain significance for Inborn genetic diseases. Last evaluated: 2022-09-26. Review status: criteria provided, single submitter. Criteria: Ambry Variant Classification Scheme 2023. Collection method: clinical testing. Allele origin: germline.

Labcorp Genetics (formerly Invitae), Labcorp
Classification: Uncertain significance for Early-infantile DEE. Last evaluated: 2022-06-13. Review status: criteria provided, single submitter. Criteria: Invitae Variant Classification Sherloc (09022015). Collection method: clinical testing. Allele origin: germline.
Comment: This sequence change replaces threonine, which is neutral and polar, with methionine, which is neutral and non-polar, at codon 122 of the SLC25A22 protein (p.Thr122Met). This variant is not present in population databases (gnomAD no frequency). This variant has not been reported in the literature in individuals affected with SLC25A22-related conditions. Algorithms developed to predict the effect of missense changes on protein structure and function (SIFT, PolyPhen-2, Align-GVGD) all suggest that this variant is likely to be disruptive. In summary, the available evidence is currently insufficient to determine the role of this variant in disease. Therefore, it has been classified as a Variant of Uncertain Significance.